The following is an entry in ClinVar:

NM_001322934.2(NFKB2):c.2657C>T (p.Pro886Leu)

Gene: NFKB2 (nuclear factor kappa B subunit 2; plus strand). Cytogenetic location: 10q24.32.
Variant type: single nucleotide variant.
Coding change: c.2657C>T on transcript NM_001322934.2 (MANE Select); coding-DNA position 2657, C replaced by T.
Protein change: p.Pro886Leu; replaces proline 886 with leucine.
Molecular consequence: missense variant.
Genome position (GRCh38, 1-based): chr10:102,402,330, C>T. VCF-style: chr10-102402330-C-T. GRCh37 (hg19) VCF-style: chr10-104162087-C-T.
Other names: c.2657C>T, p.Pro886Leu (NM_001077494.3); c.2654C>T, p.Pro885Leu (NM_001261403.3, NM_001288724.1, NM_002502.6); c.2531C>T, p.Pro844Leu (NM_001322935.1); short protein forms P844L, P885L, P886L.
Identifiers: ClinVar variation 3662167 (VCV003662167.2).
Genomic context (GRCh38, chr10:102,402,330, plus strand): 5'-GTGCGTACGGGAGCCAGTCAGTGGAGCAGGAGGCAGAGAAGCTGGGCCCACCCCCTGAGC[C>T]ACCAGGAGGGCTCTGCCACGGGCACCCCCAGCCTCAGGTGCACTGACCTGCTGCCTGCCC-3'
Protein context (NP_001309863.1, residues 876-896): EAEKLGPPPE[Pro886Leu]PGGLCHGHPQ

ClinVar aggregate classification (germline): Uncertain significance (1 of 4 stars; one submission).

Conditions:
Immunodeficiency, common variable, 10. Also called: DEFICIT IN ANTERIOR PITUITARY FUNCTION AND VARIABLE IMMUNODEFICIENCY; IMMUNODEFICIENCY, COMMON VARIABLE, WITH CENTRAL ADRENAL INSUFFICIENCY. Identifiers: MedGen C3809991, MONDO:0014260, OMIM 615577.

gnomAD v4.1: 1 of 1,571,844 alleles (0.000064%); highest among the groups gnomAD compares: Non-Finnish European, 0.000086%; no homozygotes.

Submission:

Labcorp Genetics (formerly Invitae), Labcorp
Classification: Uncertain significance for Immunodeficiency, common variable, 10. Last evaluated: 2024-08-12. Review status: criteria provided, single submitter. Criteria: Invitae Variant Classification Sherloc (09022015). Collection method: clinical testing. Allele origin: germline.
Comment: This sequence change replaces proline, which is neutral and non-polar, with leucine, which is neutral and non-polar, at codon 886 of the NFKB2 protein (p.Pro886Leu). This variant is not present in population databases (gnomAD no frequency). This variant has not been reported in the literature in individuals affected with NFKB2-related conditions. An algorithm developed to predict the effect of missense changes on protein structure and function (PolyPhen-2) suggests that this variant is likely to be disruptive. In summary, the available evidence is currently insufficient to determine the role of this variant in disease. Therefore, it has been classified as a Variant of Uncertain Significance.